The following is an entry in ClinVar:

NM_033109.5(PNPT1):c.1240_1247+211del

Gene: PNPT1 (polyribonucleotide nucleotidyltransferase 1; minus strand). Cytogenetic location: 2p16.1.
Variant type: Deletion.
Coding change: c.1240_1247+211del on transcript NM_033109.5 (MANE Select); coding-DNA position 1240 through 211 bases into the intron after coding-DNA position 1247, 219 bases deleted.
Molecular consequence: splice donor variant.
Genome position (GRCh38, 1-based): chr2:55,661,745-55,661,963, 219 bases deleted. GRCh37 (hg19): chr2:55,888,882-55,889,100.
Identifiers: ClinVar variation 2018355 (VCV002018355.4), dbSNP rs2529541638, ClinGen allele CA2580067438.

ClinVar aggregate classification (germline): Likely pathogenic (1 of 4 stars; one submission).

Submission:

Labcorp Genetics (formerly Invitae), Labcorp
Classification: Likely pathogenic. Last evaluated: 2022-07-20. Review status: criteria provided, single submitter. Criteria: Invitae Variant Classification Sherloc (09022015). Collection method: clinical testing. Allele origin: germline.
Comment: This variant results in the deletion of part of exon 14 (c.1240_1247+211del) of the PNPT1 gene. It is expected to disrupt RNA splicing. Variants that disrupt the donor or acceptor splice site typically lead to a loss of protein function (PMID: 16199547), and loss-of-function variants in PNPT1 are known to be pathogenic (PMID: 28594066, 30244537). This variant is not present in population databases (gnomAD no frequency). This variant has not been reported in the literature in individuals affected with PNPT1-related conditions. Algorithms developed to predict the effect of sequence changes on RNA splicing suggest that this variant may disrupt the consensus splice site. In summary, the currently available evidence indicates that the variant is pathogenic, but additional data are needed to prove that conclusively. Therefore, this variant has been classified as Likely Pathogenic.

Literature cited by the submitters: PubMed 16199547; PubMed 28594066; PubMed 30244537.